The following is an entry in ClinVar:

NM_013382.7(POMT2):c.1627C>A (p.Leu543Met)

Gene: POMT2 (protein O-mannosyltransferase 2; minus strand). Cytogenetic location: 14q24.3.
Variant type: single nucleotide variant.
Coding change: c.1627C>A on transcript NM_013382.7 (MANE Select); coding-DNA position 1627, C replaced by A.
Protein change: p.Leu543Met; replaces leucine 543 with methionine.
Molecular consequence: missense variant.
Genome position (GRCh38, 1-based): chr14:77,283,823, G>T on the plus strand (C>A on the coding strand, the complement: POMT2 is on the minus strand). VCF-style: chr14-77283823-G-T. GRCh37 (hg19) VCF-style: chr14-77750166-G-T.
Other names: short protein forms L543M.
Identifiers: ClinVar variation 546524 (VCV000546524.11), dbSNP rs367552151, ClinGen allele CA7285790.
Genomic context (GRCh38, chr14:77,283,823, plus strand): 5'-TAGAGACGCCATGAAATGAGAAGGGGACACATACCCGGATCATGACCATGTGGGATTCCA[G>T]CAAGATCTCAGGAAAACTGGGCTGTAGCACATCCAGGCTGATGTTTGGCACTAGGGGAAA-3'
Protein context (NP_037514.2, residues 533-553): VLQPSFPEIL[Leu543Met]ESHMVMIRGN

ClinVar aggregate classification (germline): Conflicting classifications of pathogenicity. Review status: criteria provided, conflicting classifications (1 of 4 stars). 3 submissions from 3 submitters: Uncertain significance (2); Likely benign (1). Last evaluated 2025-08-17.

Conditions:
Inborn genetic diseases. Identifiers: MedGen C0950123, MeSH D030342.
Muscular dystrophy-dystroglycanopathy (congenital with impaired intellectual development), type B, 2. Also called: Muscular dystrophy-dystroglycanopathy (congenital with intellectual disability), type B2; MUSCULAR DYSTROPHY, CONGENITAL, POMT2-RELATED. Identifiers: MedGen C3150416, MONDO:0013160, OMIM 613156.
Autosomal recessive limb-girdle muscular dystrophy type 2N. Also called: Muscular dystrophy-dystroglycanopathy (limb-girdle), type C, 2; MUSCULAR DYSTROPHY-DYSTROGLYCANOPATHY, LIMB-GIRDLE, POMT2-RELATED. Identifiers: Orphanet 206559, MedGen C3150418, MONDO:0013162, OMIM 613158.
Muscular dystrophy-dystroglycanopathy (congenital with brain and eye anomalies), type A2. Also called: MUSCULAR DYSTROPHY-DYSTROGLYCANOPATHY (CONGENITAL WITH BRAIN AND EYE ANOMALIES), TYPE A, 2; WALKER-WARBURG SYNDROME OR MUSCLE-EYE-BRAIN DISEASE, POMT2-RELATED. Identifiers: Orphanet 588, Orphanet 899, MedGen C3150411, MONDO:0013154, OMIM 613150.

Allele frequency attached by ClinVar (database versions not stated): gnomAD 0.00015 and 0.00017; ExAC 0.00003; gnomAD exomes 0.00005; 1000 Genomes Project 0.00020; TOPMed 0.00020; 1000 Genomes Project 30x 0.00016; ESP Exome Variant Server 0.00023.
gnomAD v4.1: 49 of 1,612,818 alleles (0.003%); highest among the groups gnomAD compares: African/African-American, 0.057%; no homozygotes.

Submissions (3):

Labcorp Genetics (formerly Invitae), Labcorp
Classification: Likely benign for Muscular dystrophy-dystroglycanopathy (congenital with impaired intellectual development), type B, 2; Muscular dystrophy-dystroglycanopathy (congenital with brain and eye anomalies), type A2; Autosomal recessive limb-girdle muscular dystrophy type 2N. Last evaluated: 2025-08-17. Review status: criteria provided, single submitter. Criteria: Invitae Variant Classification Sherloc (09022015). Collection method: clinical testing. Allele origin: germline.

Ambry Genetics
Classification: Uncertain significance for Inborn genetic diseases. Last evaluated: 2023-12-30. Review status: criteria provided, single submitter. Criteria: Ambry Variant Classification Scheme 2023. Collection method: clinical testing. Allele origin: germline.

GeneDx
Classification: Uncertain significance. Last evaluated: 2018-05-29. Review status: criteria provided, single submitter. Criteria: GeneDx Variant Classification (06012015). Collection method: clinical testing. Allele origin: germline. Affected: yes.
Comment: The L543M variant has not been published as a pathogenic variant, nor has it been reported as a benign variant to our knowledge. The L543M variant is observed in 18/24,030 (0.075%) alleles from individuals of African background (Lek et al., 2016). This variant is a conservative amino acid substitution, which is not likely to impact secondary protein structure as these residues share similar properties. In-silico analyses, including protein predictors and evolutionary conservation, support that this variant does not alter protein structure/function.